The following continues an entry in ClinVar:

NM_206933.4(USH2A):c.12145G>A (p.Ala4049Thr)

Gene: USH2A. ClinVar aggregate classification (germline): Uncertain significance. Uncertain significance (1).

Submissions 6 to 12 of 12:

Labcorp Genetics (formerly Invitae), Labcorp
Classification: Pathogenic. Last evaluated: 2025-12-20. Review status: criteria provided, single submitter. Criteria: Invitae Variant Classification Sherloc (09022015). Collection method: clinical testing. Allele origin: germline. Not counted in ClinVar's aggregate classification.
Comment: This sequence change replaces alanine, which is neutral and non-polar, with threonine, which is neutral and polar, at codon 4049 of the USH2A protein (p.Ala4049Thr). This variant is present in population databases (rs143696882, gnomAD 0.1%). This missense change has been observed in individual(s) with clinical features of retinitis pigmentosa (PMID: 28041643; internal data). In at least one individual the data is consistent with being in trans (on the opposite chromosome) from a pathogenic variant. ClinVar contains an entry for this variant (Variation ID: 229616). Invitae Evidence Modeling of protein sequence and biophysical properties (such as structural, functional, and spatial information, amino acid conservation, physicochemical variation, residue mobility, and thermodynamic stability) has been performed for this missense variant. However, the output from this modeling did not meet the statistical confidence thresholds required to predict the impact of this variant on USH2A protein function. For these reasons, this variant has been classified as Pathogenic.

GeneDx
Classification: Uncertain significance. Last evaluated: 2025-03-18. Review status: criteria provided, single submitter. Criteria: GeneDx Variant Classification Process June 2021. Collection method: clinical testing. Allele origin: germline. Affected: yes. Not counted in ClinVar's aggregate classification.
Comment: In silico analysis supports that this missense variant has a deleterious effect on protein structure/function; This variant is associated with the following publications: (PMID: 32581362, 28041643, 39858579, 32037395)

Blueprint Genetics
Classification: Pathogenic for USH2A-related disorders. Last evaluated: 2024-07-30. Review status: criteria provided, single submitter. Criteria: ACMG Guidelines, 2015. Collection method: clinical testing. Allele origin: germline. Affected: yes. Observed: 5 variant alleles. Not counted in ClinVar's aggregate classification.

Fulgent Genetics
Classification: Likely pathogenic for Usher syndrome type 2A; Retinitis pigmentosa 39. Last evaluated: 2024-04-30. Review status: criteria provided, single submitter. Criteria: ACMG Guidelines, 2015. Collection method: clinical testing. Allele origin: germline. Not counted in ClinVar's aggregate classification.

Baylor Genetics
Classification: Likely pathogenic for Retinitis pigmentosa 39. Last evaluated: 2024-03-22. Review status: criteria provided, single submitter. Criteria: ACMG Guidelines, 2015. Collection method: clinical testing. Allele origin: unknown. Not counted in ClinVar's aggregate classification.

Laboratory for Molecular Medicine, Mass General Brigham Personalized Medicine
Classification: Uncertain significance. Last evaluated: 2015-02-18. Review status: criteria provided, single submitter. Criteria: LMM Criteria. Collection method: clinical testing. Allele origin: germline. Observed: 1 variant allele. Not counted in ClinVar's aggregate classification.
Comment: Variant classified as Uncertain Significance - Favor Benign. The p.Ala4049Thr va riant in USH2A has not been previously reported in individuals with hearing loss , but has been identified in 0.2% (17/10368) of African chromosomes by the Exome Aggregation Consortium (ExAC; dbSNP rs143696882 ). Computational prediction tools and conservation analysis do not provide stron g support for or against an impact to the protein. In summary, the clinical sign ificance of this variant cannot be determined with certainty; however, the frequ ency data suggest that it is more likely to be benign.

NIHR Bioresource Rare Diseases, University of Cambridge
Classification: Likely pathogenic for Retinitis pigmentosa. Last evaluated: 2015-01-01. Review status: no assertion criteria provided. Collection method: research. Allele origin: unknown. Affected: yes. Observed: 1 variant allele. Not counted in ClinVar's aggregate classification.

Literature cited by the submitters: PubMed 28041643 (cited by 4 submitters); PubMed 32037395 (cited by 3 submitters); PubMed 32581362 (cited by Myriad Genetics, Inc. and Women's Health and Genetics/Laboratory Corporation of America, LabCorp); PubMed 37506127 (cited by Myriad Genetics, Inc. and Natera, Inc.); PubMed 39858579 (cited by Myriad Genetics, Inc.); PubMed 40339601 (cited by Myriad Genetics, Inc. and Natera, Inc.); PubMed 40797289 (cited by Myriad Genetics, Inc. and Natera, Inc.); PubMed 32176120 (cited by Women's Health and Genetics/Laboratory Corporation of America, LabCorp); PubMed 38219857 (cited by Women's Health and Genetics/Laboratory Corporation of America, LabCorp); PubMed 40607868 (cited by Women's Health and Genetics/Laboratory Corporation of America, LabCorp).